The following is an entry in ClinVar:

ClinVar aggregate classification (germline): Uncertain significance (1 of 4 stars; one submission).

Allele frequency attached by ClinVar (database versions not stated): TOPMed below 0.00001; gnomAD 0.00001; gnomAD exomes 0.00001.
gnomAD v4.1: 14 of 1,613,984 alleles (0.00087%); highest among the groups gnomAD compares: East Asian, 0.0022%; no homozygotes.

Submission:

Labcorp Genetics (formerly Invitae), Labcorp
Classification: Uncertain significance. Last evaluated: 2024-11-04. Review status: criteria provided, single submitter. Criteria: Invitae Variant Classification Sherloc (09022015). Collection method: clinical testing. Allele origin: germline.
Comment: This sequence change replaces proline, which is neutral and non-polar, with leucine, which is neutral and non-polar, at codon 193 of the EMC1 protein (p.Pro193Leu). This variant is not present in population databases (gnomAD no frequency). This variant has not been reported in the literature in individuals affected with EMC1-related conditions. ClinVar contains an entry for this variant (Variation ID: 2010274). Invitae Evidence Modeling of protein sequence and biophysical properties (such as structural, functional, and spatial information, amino acid conservation, physicochemical variation, residue mobility, and thermodynamic stability) indicates that this missense variant is not expected to disrupt EMC1 protein function with a negative predictive value of 80%. In summary, the available evidence is currently insufficient to determine the role of this variant in disease. Therefore, it has been classified as a Variant of Uncertain Significance.

NM_015047.3(EMC1):c.578C>T (p.Pro193Leu)

Gene: EMC1 (ER membrane protein complex subunit 1; minus strand). Cytogenetic location: 1p36.13.
Variant type: single nucleotide variant.
Coding change: c.578C>T on transcript NM_015047.3 (MANE Select); coding-DNA position 578, C replaced by T.
Protein change: p.Pro193Leu; replaces proline 193 with leucine.
Molecular consequence: missense variant.
Genome position (GRCh38, 1-based): chr1:19,241,074, G>A on the plus strand (C>T on the coding strand, the complement: EMC1 is on the minus strand). VCF-style: chr1-19241074-G-A. GRCh37 (hg19) VCF-style: chr1-19567568-G-A.
Other names: c.578C>T, p.Pro193Leu (NM_001271427.2, NM_001271428.2, NM_001375820.1 and 1 more transcripts); c.512C>T, p.Pro171Leu (NM_001271429.2); short protein forms P193L, P171L.
Identifiers: ClinVar variation 2010274 (VCV002010274.4), dbSNP rs956635441, ClinGen allele CA18822733.
Genomic context (GRCh38, chr1:19,241,074, plus strand): 5'-ACCTGCTGAACAATCTCTCCATCTTCCACATTAAACTTGACAATGTTCACATGGCTGAAG[G>A]GAACAACTCCGAGGGCCCACACCACCCCAGAGCCGTAAGAATACACCATCTGGTAGTGGA-3'
Protein context (NP_055862.1, residues 183-203): SGVVWALGVV[Pro193Leu]FSHVNIVKFN